The following is an entry in ClinVar:

NM_173551.5(ANKS6):c.996A>G (p.Leu332=)

Gene: ANKS6 (ankyrin repeat and sterile alpha motif domain containing 6; minus strand). Cytogenetic location: 9q22.33.
Variant type: single nucleotide variant.
Coding change: c.996A>G on transcript NM_173551.5 (MANE Select); coding-DNA position 996, A replaced by G.
Protein change: p.Leu332=; no amino-acid change (leucine 332 retained).
Molecular consequence: synonymous variant.
Genome position (GRCh38, 1-based): chr9:98,784,069, T>C on the plus strand (A>G on the coding strand, the complement: ANKS6 is on the minus strand). VCF-style: chr9-98784069-T-C. GRCh37 (hg19) VCF-style: chr9-101546351-T-C.
Other names: c.996A>G (NM_173551.4).
Identifiers: ClinVar variation 2745497 (VCV002745497.5), dbSNP rs921372305, ClinGen allele CA196818947.

ClinVar aggregate classification (germline): Conflicting classifications of pathogenicity. Review status: criteria provided, conflicting classifications (1 of 4 stars). 3 submissions from 3 submitters: Uncertain significance (1); Likely benign (2). Last evaluated 2024-10-18.

Conditions:
ANKS6-related disorder. Also called: ANKS6-related condition.
Nephronophthisis 16 (NPHP16). Identifiers: Orphanet 655, MedGen C3809320, MONDO:0014158, OMIM 615382.

Allele frequency attached by ClinVar (database versions not stated): gnomAD exomes 0.00001; TOPMed 0.00002; gnomAD 0.00004.
gnomAD v4.1: 15 of 1,610,588 alleles (0.00093%); highest among the groups gnomAD compares: African/African-American, 0.004%; no homozygotes.

Submissions (3):

PreventionGenetics, part of Exact Sciences
Classification: Likely benign for ANKS6-related condition. Last evaluated: 2024-10-18. Review status: criteria provided, single submitter. Criteria: ACMG Guidelines, 2015. Collection method: clinical testing. Allele origin: germline.
Comment: This variant is classified as likely benign based on ACMG/AMP sequence variant interpretation guidelines (Richards et al. 2015 PMID: 25741868, with internal and published modifications).

Fulgent Genetics
Classification: Uncertain significance for Nephronophthisis 16. Last evaluated: 2024-02-12. Review status: criteria provided, single submitter. Criteria: ACMG Guidelines, 2015. Collection method: clinical testing. Allele origin: germline.

Labcorp Genetics (formerly Invitae), Labcorp
Classification: Likely benign for Nephronophthisis 16. Last evaluated: 2023-04-26. Review status: criteria provided, single submitter. Criteria: Invitae Variant Classification Sherloc (09022015). Collection method: clinical testing. Allele origin: germline.